The following is an entry in ClinVar:

ClinVar aggregate classification (germline): Uncertain significance. Review status: criteria provided, multiple submitters, no conflicts (2 of 4 stars). 2 submissions from 2 submitters: Uncertain significance (2). Last evaluated 2024-10-30.

Conditions:
Leukocyte adhesion deficiency 1 (LAD1). Also called: LEUKOCYTE ADHESION DEFICIENCY, TYPE I; LAD 1; Lymphocyte function-associated antigen 1 immunodeficiency; LFA 1 immunodeficiency. Identifiers: Orphanet 2968, Orphanet 99842, MedGen C0398738, MONDO:0007293, OMIM 116920.
Inborn genetic diseases. Identifiers: MedGen C0950123, MeSH D030342.

Allele frequency attached by ClinVar (database versions not stated): gnomAD 0.00003; TOPMed 0.00008; gnomAD exomes 0.00013; 1000 Genomes Project 30x 0.00016; 1000 Genomes Project 0.00020; ExAC 0.00020; ESP Exome Variant Server 0.00023.
gnomAD v4.1: 132 of 1,609,370 alleles (0.0082%); highest among the groups gnomAD compares: Middle Eastern, 0.083%; no homozygotes.

Submissions (2):

Labcorp Genetics (formerly Invitae), Labcorp
Classification: Uncertain significance for Leukocyte adhesion deficiency 1. Last evaluated: 2024-10-30. Review status: criteria provided, single submitter. Criteria: Invitae Variant Classification Sherloc (09022015). Collection method: clinical testing. Allele origin: germline.
Comment: This sequence change replaces glutamic acid, which is acidic and polar, with lysine, which is basic and polar, at codon 576 of the ITGB2 protein (p.Glu576Lys). This variant is present in population databases (rs145507744, gnomAD 0.02%). This variant has not been reported in the literature in individuals affected with ITGB2-related conditions. ClinVar contains an entry for this variant (Variation ID: 530676). An algorithm developed to predict the effect of missense changes on protein structure and function outputs the following: PolyPhen-2: "Benign". The lysine amino acid residue is found in multiple mammalian species, which suggests that this missense change does not adversely affect protein function. In summary, the available evidence is currently insufficient to determine the role of this variant in disease. Therefore, it has been classified as a Variant of Uncertain Significance.

Ambry Genetics
Classification: Uncertain significance for Inborn genetic diseases. Last evaluated: 2024-06-04. Review status: criteria provided, single submitter. Criteria: Ambry Variant Classification Scheme 2023. Collection method: clinical testing. Allele origin: germline.

NM_000211.5(ITGB2):c.1726G>A (p.Glu576Lys)

Gene: ITGB2 (integrin subunit beta 2; minus strand). Cytogenetic location: 21q22.3.
Variant type: single nucleotide variant.
Coding change: c.1726G>A on transcript NM_000211.5 (MANE Select); coding-DNA position 1726, G replaced by A.
Protein change: p.Glu576Lys; replaces glutamic acid 576 with lysine.
Molecular consequence: missense variant.
Genome position (GRCh38, 1-based): chr21:44,889,427, C>T on the plus strand (G>A on the coding strand, the complement: ITGB2 is on the minus strand). VCF-style: chr21-44889427-C-T. GRCh37 (hg19) VCF-style: chr21-46309342-C-T.
Other names: c.1726G>A, p.Glu576Lys (NM_001127491.3); c.1519G>A, p.Glu507Lys (NM_001303238.2); c.1726G>A (NM_000211.3); short protein forms E576K, E507K.
Identifiers: ClinVar variation 530676 (VCV000530676.10), dbSNP rs145507744, ClinGen allele CA10062720.